The following is an entry in ClinVar:

NM_002693.3(POLG):c.2734+12_2734+13delinsG

Genes: POLG (DNA polymerase gamma, catalytic subunit; minus strand), POLGARF (POLG alternative reading frame; minus strand). Cytogenetic location: 15q26.1.
Variant type: Indel.
Coding change: c.2734+12_2734+13delinsG on transcript NM_002693.3 (MANE Select); bases 12 to 13 of the intron after coding-DNA position 2734, CC replaced by G.
Molecular consequence: intron variant.
Genome position (GRCh38, 1-based): chr15:89,321,112-89,321,113, GG replaced by C on the plus strand (CC replaced by G on the coding strand, the reverse complement: POLG is on the minus strand). VCF-style: chr15-89321112-GG-C. GRCh37 (hg19) VCF-style: chr15-89864343-GG-C.
Other names: c.2734+12_2734+13delCCinsG (NM_002693.2); c.2734+12_2734+13delinsG (NM_001126131.2).
Identifiers: ClinVar variation 511753 (VCV000511753.1), dbSNP rs1555452821, ClinGen allele CA10602332.

ClinVar aggregate classification (germline): Likely benign (1 of 4 stars; one submission).

Submission:

GeneDx
Classification: Likely benign. Last evaluated: 2017-08-24. Review status: criteria provided, single submitter. Criteria: GeneDx Variant Classification (06012015). Collection method: clinical testing. Allele origin: germline. Affected: yes.
Comment: This variant is considered likely benign or benign based on one or more of the following criteria: it is a conservative change, it occurs at a poorly conserved position in the protein, it is predicted to be benign by multiple in silico algorithms, and/or has population frequency not consistent with disease.